The following is an entry in ClinVar:

ClinVar aggregate classification (germline): Uncertain significance. Review status: criteria provided, multiple submitters, no conflicts (2 of 4 stars). 2 submissions from 2 submitters: Uncertain significance (2). Last evaluated 2026-02-15.

Conditions:
Hereditary cancer-predisposing syndrome. Also called: Hereditary neoplastic syndrome; Hereditary Cancer Syndrome; Tumor predisposition; Neoplastic Syndromes, Hereditary. Identifiers: Orphanet 140162, MedGen C0027672, MeSH D009386, MONDO:0015356.
Hereditary pheochromocytoma and paraganglioma. Also called: Hereditary pheochromocytoma-paraganglioma; Hereditary Paraganglioma-Pheochromocytoma Syndromes; Hereditary paragangliomas and pheochromocytomas. Identifiers: Orphanet 29072, MedGen C4274332, MONDO:0017366.

Allele frequency attached by ClinVar (database versions not stated): TOPMed 0.00001.

Submissions (2):

Ambry Genetics
Classification: Uncertain significance for Hereditary cancer-predisposing syndrome. Last evaluated: 2026-02-15. Review status: criteria provided, single submitter. Criteria: Ambry Variant Classification Scheme 2023. Collection method: clinical testing. Allele origin: germline.
Comment: The p.Q158K variant (also known as c.472C>A), located in coding exon 3 of the TMEM127 gene, results from a C to A substitution at nucleotide position 472. The glutamine at codon 158 is replaced by lysine, an amino acid with similar properties. This amino acid position is conserved. In addition, this alteration is predicted to be deleterious by in silico analysis. Based on the available evidence, the clinical significance of this variant remains unclear.

Labcorp Genetics (formerly Invitae), Labcorp
Classification: Uncertain significance for Hereditary pheochromocytoma and paraganglioma. Last evaluated: 2023-07-21. Review status: criteria provided, single submitter. Criteria: Invitae Variant Classification Sherloc (09022015). Collection method: clinical testing. Allele origin: germline.
Comment: This sequence change replaces glutamine, which is neutral and polar, with lysine, which is basic and polar, at codon 158 of the TMEM127 protein (p.Gln158Lys). This variant is not present in population databases (gnomAD no frequency). In summary, the available evidence is currently insufficient to determine the role of this variant in disease. Therefore, it has been classified as a Variant of Uncertain Significance. An algorithm developed to predict the effect of missense changes on protein structure and function (PolyPhen-2) suggests that this variant is likely to be disruptive. ClinVar contains an entry for this variant (Variation ID: 1006553). This variant has not been reported in the literature in individuals affected with TMEM127-related conditions.

NM_017849.4(TMEM127):c.472C>A (p.Gln158Lys)

Gene: TMEM127 (transmembrane protein 127; minus strand). Cytogenetic location: 2q11.2.
Variant type: single nucleotide variant.
Coding change: c.472C>A on transcript NM_017849.4 (MANE Select); coding-DNA position 472, C replaced by A.
Protein change: p.Gln158Lys; replaces glutamine 158 with lysine.
Molecular consequence: missense variant.
Genome position (GRCh38, 1-based): chr2:96,254,053, G>T on the plus strand (C>A on the coding strand, the complement: TMEM127 is on the minus strand). VCF-style: chr2-96254053-G-T. GRCh37 (hg19) VCF-style: chr2-96919791-G-T.
Other names: c.472C>A, p.Gln158Lys (NM_001193304.3); c.472C>A (NM_017849.3); short protein forms Q158K.
Identifiers: ClinVar variation 1006553 (VCV001006553.9), dbSNP rs769988721, ClinGen allele CA347652882.